The following is an entry in ClinVar:

ClinVar aggregate classification (germline): Conflicting classifications of pathogenicity. Review status: criteria provided, conflicting classifications (1 of 4 stars). 2 submissions from 2 submitters: Uncertain significance (1); Likely benign (1). Last evaluated 2023-07-31.

Conditions:
Hereditary breast ovarian cancer syndrome. Also called: Hereditary breast and/or ovarian cancer syndrome; BRCA1- and BRCA2-Associated Hereditary Breast and Ovarian Cancer; Hereditary breast and ovarian cancer syndrome; Hereditary breast and ovarian cancer; Hereditary breast and ovarian cancer syndrome (HBOC); Breast and ovarian cancer. Identifiers: Orphanet 145, MedGen C0677776, MeSH D061325, MONDO:0003582. Disease mechanism: loss of function.
Hereditary cancer-predisposing syndrome. Also called: Tumor predisposition; Hereditary Cancer Syndrome; Hereditary neoplastic syndrome; Neoplastic Syndromes, Hereditary. Identifiers: Orphanet 140162, MedGen C0027672, MeSH D009386, MONDO:0015356.

Allele frequency attached by ClinVar (database versions not stated): gnomAD exomes below 0.00001.
gnomAD v4.1: 3 of 1,614,240 alleles (0.00019%); highest among the groups gnomAD compares: Non-Finnish European, 0.00025%; no homozygotes.

Submissions (3):

Labcorp Genetics (formerly Invitae), Labcorp
Classification: Uncertain significance for Hereditary breast ovarian cancer syndrome. Last evaluated: 2023-07-31. Review status: criteria provided, single submitter. Criteria: Invitae Variant Classification Sherloc (09022015). Collection method: clinical testing. Allele origin: germline.
Comment: This sequence change replaces aspartic acid, which is acidic and polar, with asparagine, which is neutral and polar, at codon 1813 of the BRCA1 protein (p.Asp1813Asn). This variant is present in population databases (no rsID available, gnomAD 0.0009%). Advanced modeling performed at Invitae incorporating data from internal and/or published experimental studies (PMID: 30209399) indicates that this missense variant is not expected to disrupt BRCA1 function. ClinVar contains an entry for this variant (Variation ID: 865508). This variant has not been reported in the literature in individuals affected with BRCA1-related conditions. In summary, the available evidence is currently insufficient to determine the role of this variant in disease. Therefore, it has been classified as a Variant of Uncertain Significance.

Ambry Genetics
Classification: Likely benign for Hereditary cancer-predisposing syndrome. Last evaluated: 2021-12-04. Review status: criteria provided, single submitter. Criteria: Ambry Variant Classification Scheme 2023. Collection method: clinical testing. Allele origin: germline.

Brotman Baty Institute, University of Washington
No classification provided (evidence only). Condition: Breast-ovarian cancer, familial 1. Review status: no classification provided. Collection method: in vitro. Allele origin: not applicable. Functional consequence: functionally_normal. Not counted in ClinVar's aggregate classification.
ClinVar note: "not provided" was previously submitted as the classification for the variant. However, the classification appeared to be based only on an observation of functional data so it was converted to no classification on 2025-07-30.

Literature cited by the submitters: PubMed 30209399 (cited by Labcorp Genetics (formerly Invitae), Labcorp).

NM_007294.4(BRCA1):c.5437G>A (p.Asp1813Asn)

Gene: BRCA1 (BRCA1 DNA repair associated; minus strand). Cytogenetic location: 17q21.31.
Variant type: single nucleotide variant.
Coding change: c.5437G>A on transcript NM_007294.4 (MANE Select); coding-DNA position 5437, G replaced by A.
Protein change: p.Asp1813Asn; replaces aspartic acid 1813 with asparagine.
Molecular consequence: missense variant. On other transcripts: non-coding transcript variant (1).
Genome position (GRCh38, 1-based): chr17:43,047,673, C>T on the plus strand (G>A on the coding strand, the complement: BRCA1 is on the minus strand). VCF-style: chr17-43047673-C-T. GRCh37 (hg19) VCF-style: chr17-41199690-C-T.
Other names: c.5224G>A, p.Asp1742Asn (NM_001407571.1, NM_001407900.1, NM_001407902.1 and 12 more transcripts); c.5503G>A, p.Asp1835Asn (NM_001407581.1, NM_001407582.1); c.5500G>A, p.Asp1834Asn (NM_001407583.1, NM_001407585.1, NM_001407587.1 and 1 more transcripts); c.5434G>A, p.Asp1812Asn (NM_001407610.1, NM_001407611.1, NM_001407612.1 and 14 more transcripts); c.5431G>A, p.Asp1811Asn (NM_001407629.1, NM_001407630.1, NM_001407631.1 and 13 more transcripts); c.5377G>A, p.Asp1793Asn (NM_001407649.1); c.5359G>A, p.Asp1787Asn (NM_001407652.1, NM_001407653.1, NM_001407654.1 and 1 more transcripts); c.5356G>A, p.Asp1786Asn (NM_001407656.1, NM_001407657.1, NM_001407658.1); and 83 more; short protein forms D1766N, D709N, D1834N, D1813N, R684K, D1685N, D1701N, D1743N.
Identifiers: ClinVar variation 865508 (VCV000865508.8), dbSNP rs1303996018, ClinGen allele CA10590553.